The following is an entry in ClinVar:

ClinVar aggregate classification (germline): Pathogenic (1 of 4 stars; one submission).

Conditions:
RYR1-related disorder. Also called: RYR1-related condition; RYR1-related disorders. Identifiers: MedGen CN239331.

Submission:

Labcorp Genetics (formerly Invitae), Labcorp
Classification: Pathogenic for RYR1-related disorder. Last evaluated: 2025-11-11. Review status: criteria provided, single submitter. Criteria: Invitae Variant Classification Sherloc (09022015). Collection method: clinical testing. Allele origin: germline.
Comment: This sequence change creates a premature translational stop signal (p.Tyr1456*) in the RYR1 gene. It is expected to result in an absent or disrupted protein product. Loss-of-function variants in RYR1 are known to be pathogenic (PMID: 23919265, 25960145, 28818389, 30611313). This variant is not present in population databases (gnomAD no frequency). This variant has not been reported in the literature in individuals affected with RYR1-related conditions. ClinVar contains an entry for this variant (Variation ID: 2012363). Algorithms developed to predict the effect of sequence changes on RNA splicing suggest that this variant may disrupt the consensus splice site. For these reasons, this variant has been classified as Pathogenic.

Literature cited by the submitters: PubMed 23919265; PubMed 25960145; PubMed 28818389; PubMed 30611313.

NM_000540.3(RYR1):c.4368C>G (p.Tyr1456Ter)

Gene: RYR1 (ryanodine receptor 1; plus strand). Cytogenetic location: 19q13.2.
Variant type: single nucleotide variant.
Coding change: c.4368C>G on transcript NM_000540.3 (MANE Select); coding-DNA position 4368, C replaced by G.
Protein change: p.Tyr1456Ter; replaces tyrosine 1456 with a stop codon.
Molecular consequence: nonsense.
Genome position (GRCh38, 1-based): chr19:38,477,784, C>G. VCF-style: chr19-38477784-C-G. GRCh37 (hg19) VCF-style: chr19-38968424-C-G.
Other names: c.4368C>G, p.Tyr1456Ter (NM_001042723.2); short protein forms Y1456*.
Identifiers: ClinVar variation 2012363 (VCV002012363.4), dbSNP rs2514177448, ClinGen allele CA405645942.
Genomic context (GRCh38, chr19:38,477,784, plus strand): 5'-GAGGGTCTTTGCTGGACAGGAGCCCAGCTGCGTGTGGGCGGGCTGGGTCACCCCTGACTA[C>G]CATCAGCACGACATGAGCTTCGACCTCAGCAAGGTCCGGGTCGTGACGGTGACCATGGGG-3'